The following is an entry in ClinVar:

ClinVar aggregate classification (germline): Uncertain significance (1 of 4 stars; one submission).

Allele frequency attached by ClinVar (database versions not stated): gnomAD exomes 0.00001.
gnomAD v4.1: 3 of 1,551,678 alleles (0.00019%); highest among the groups gnomAD compares: Admixed American, 0.002%; no homozygotes.

Submission:

Labcorp Genetics (formerly Invitae), Labcorp
Classification: Uncertain significance. Last evaluated: 2024-12-22. Review status: criteria provided, single submitter. Criteria: Invitae Variant Classification Sherloc (09022015). Collection method: clinical testing. Allele origin: germline.
Comment: This sequence change replaces arginine, which is basic and polar, with cysteine, which is neutral and slightly polar, at codon 577 of the DTHD1 protein (p.Arg577Cys). This variant is present in population databases (no rsID available, gnomAD 0.004%). This variant has not been reported in the literature in individuals affected with DTHD1-related conditions. ClinVar contains an entry for this variant (Variation ID: 837883). An algorithm developed to predict the effect of missense changes on protein structure and function outputs the following: PolyPhen-2: "Probably Damaging". The cysteine amino acid residue is found in multiple mammalian species, which suggests that this missense change does not adversely affect protein function. In summary, the available evidence is currently insufficient to determine the role of this variant in disease. Therefore, it has been classified as a Variant of Uncertain Significance.

NM_001170700.3(DTHD1):c.2599C>T (p.Arg867Cys)

Gene: DTHD1 (death domain containing 1; plus strand). Cytogenetic location: 4p14.
Variant type: single nucleotide variant.
Coding change: c.2599C>T on transcript NM_001170700.3 (MANE Select); coding-DNA position 2599, C replaced by T.
Protein change: p.Arg867Cys; replaces arginine 867 with cysteine.
Molecular consequence: missense variant. On other transcripts: synonymous variant (1), non-coding transcript variant (2).
Genome position (GRCh38, 1-based): chr4:36,343,702, C>T. VCF-style: chr4-36343702-C-T. GRCh37 (hg19) VCF-style: chr4-36345324-C-T.
Other names: c.1729C>T, p.Arg577Cys (NM_001136536.5); c.1608C>T, p.Phe536= (NM_001378435.1); short protein forms R867C, R577C.
Identifiers: ClinVar variation 837883 (VCV000837883.9), dbSNP rs1441901710, ClinGen allele CA356682453.